The following is an entry in ClinVar:

ClinVar aggregate classification (germline): Likely benign. Review status: criteria provided, multiple submitters, no conflicts (2 of 4 stars). 2 submissions from 2 submitters: Likely benign (2). Last evaluated 2018-01-13.

Conditions:
Congenital generalized lipodystrophy type 4. Also called: BERARDINELLI-SEIP CONGENITAL LIPODYSTROPHY, TYPE 4, WITH MUSCULAR DYSTROPHY. Identifiers: Orphanet 228429, MedGen C2750069, MONDO:0013225, OMIM 613327.

Allele frequency attached by ClinVar (database versions not stated): 1000 Genomes Project 0.00220; gnomAD 0.00229 and 0.00237; TOPMed 0.00248; 1000 Genomes Project 30x 0.00250.

Submissions (2):

Illumina Laboratory Services, Illumina
Classification: Likely benign for Congenital generalized lipodystrophy type 4. Last evaluated: 2018-01-13. Review status: criteria provided, single submitter. Criteria: ICSL Variant Classification Criteria 13 December 2019. Collection method: clinical testing. Allele origin: germline.
Comment: This variant was observed in the ICSL laboratory as part of a predisposition screen in an ostensibly healthy population. It had not been previously curated by ICSL or reported in the Human Gene Mutation Database (HGMD: prior to June 1st, 2018), and was therefore a candidate for classification through an automated scoring system. Utilizing variant allele frequency, disease prevalence and penetrance estimates, and inheritance mode, an automated score was calculated to assess if this variant is too frequent to cause the disease. Based on the score and internal cut-off values, a variant classified as likely benign is not then subjected to further curation. The score for this variant resulted in a classification of likely benign for this disease.

Breakthrough Genomics
Classification: Likely benign. Review status: criteria provided, single submitter. Criteria: ACMG Guidelines, 2015. Collection method: not provided. Allele origin: germline. Inheritance: Autosomal recessive inheritance. Affected: yes.

NM_012232.6(CAVIN1):c.*839G>A

Gene: CAVIN1 (caveolae associated protein 1; minus strand). Cytogenetic location: 17q21.2.
Variant type: single nucleotide variant.
Coding change: c.*839G>A on transcript NM_012232.6 (MANE Select); 839 bases downstream of the stop codon, G replaced by A.
Molecular consequence: 3 prime UTR variant.
Genome position (GRCh38, 1-based): chr17:42,403,848, C>T on the plus strand (G>A on the coding strand, the complement: CAVIN1 is on the minus strand). VCF-style: chr17-42403848-C-T. GRCh37 (hg19) VCF-style: chr17-40555866-C-T.
Identifiers: ClinVar variation 889075 (VCV000889075.5), dbSNP rs181876690, ClinGen allele CA290749446.